The following is an entry in ClinVar:

NM_001353345.2(SETD1B):c.756C>G (p.Phe252Leu)

Gene: SETD1B (SET domain containing 1B, histone lysine methyltransferase; plus strand). Cytogenetic location: 12q24.31.
Variant type: single nucleotide variant.
Coding change: c.756C>G on transcript NM_001353345.2 (MANE Select); coding-DNA position 756, C replaced by G.
Protein change: p.Phe252Leu; replaces phenylalanine 252 with leucine.
Molecular consequence: missense variant.
Genome position (GRCh38, 1-based): chr12:121,809,701, C>G. VCF-style: chr12-121809701-C-G. GRCh37 (hg19) VCF-style: chr12-122247607-C-G.
Other names: short protein forms F252L.
Identifiers: ClinVar variation 3360308 (VCV003360308.1).

ClinVar aggregate classification (germline): Uncertain significance (1 of 4 stars; one submission).

Submission:

GeneDx
Classification: Uncertain significance. Last evaluated: 2023-06-26. Review status: criteria provided, single submitter. Criteria: GeneDx Variant Classification Process June 2021. Collection method: clinical testing. Allele origin: germline. Affected: yes.
Comment: Not observed at significant frequency in large population cohorts (gnomAD); In silico analysis supports that this missense variant does not alter protein structure/function; Has not been previously published as pathogenic or benign to our knowledge